The following is an entry in ClinVar:

ClinVar aggregate classification (germline): Uncertain significance (1 of 4 stars; one submission).

Allele frequency attached by ClinVar (database versions not stated): gnomAD exomes below 0.00001; gnomAD 0.00002.
gnomAD v4.1: 9 of 1,613,976 alleles (0.00056%); highest among the groups gnomAD compares: African/African-American, 0.0053%; no homozygotes.

Submission:

Labcorp Genetics (formerly Invitae), Labcorp
Classification: Uncertain significance. Last evaluated: 2021-04-27. Review status: criteria provided, single submitter. Criteria: Invitae Variant Classification Sherloc (09022015). Collection method: clinical testing. Allele origin: germline.
Comment: In summary, the available evidence is currently insufficient to determine the role of this variant in disease. Therefore, it has been classified as a Variant of Uncertain Significance. Algorithms developed to predict the effect of sequence changes on RNA splicing suggest that this variant may create or strengthen a splice site, but this prediction has not been confirmed by published transcriptional studies. Algorithms developed to predict the effect of missense changes on protein structure and function are either unavailable or do not agree on the potential impact of this missense change (SIFT: "Tolerated"; PolyPhen-2: "Possibly Damaging"; Align-GVGD: "Class C0"). This variant has not been reported in the literature in individuals with WNT5A-related conditions. This variant is not present in population databases (ExAC no frequency). This sequence change replaces asparagine with serine at codon 326 of the WNT5A protein (p.Asn326Ser). The asparagine residue is highly conserved and there is a small physicochemical difference between asparagine and serine.

NM_003392.7(WNT5A):c.977A>G (p.Asn326Ser)

Gene: WNT5A (Wnt family member 5A; minus strand). Cytogenetic location: 3p14.3.
Variant type: single nucleotide variant.
Coding change: c.977A>G on transcript NM_003392.7 (MANE Select); coding-DNA position 977, A replaced by G.
Protein change: p.Asn326Ser; replaces asparagine 326 with serine.
Molecular consequence: missense variant.
Genome position (GRCh38, 1-based): chr3:55,470,258, T>C on the plus strand (A>G on the coding strand, the complement: WNT5A is on the minus strand). VCF-style: chr3-55470258-T-C. GRCh37 (hg19) VCF-style: chr3-55504286-T-C.
Other names: c.932A>G, p.Asn311Ser (NM_001256105.1, NM_001377271.1, NM_001377272.1); short protein forms N311S, N326S.
Identifiers: ClinVar variation 1349309 (VCV001349309.8), dbSNP rs1368827765, ClinGen allele CA353271880.